The following is an entry in ClinVar:

ClinVar aggregate classification (germline): Conflicting classifications of pathogenicity. Review status: criteria provided, conflicting classifications (1 of 4 stars). 2 submissions from 2 submitters: Uncertain significance (1); Likely benign (1). Last evaluated 2023-01-01.

Conditions:
Inborn genetic diseases. Identifiers: MedGen C0950123, MeSH D030342.

Allele frequency attached by ClinVar (database versions not stated): ExAC 0.00001; gnomAD exomes 0.00002; TOPMed 0.00003; 1000 Genomes Project 30x 0.00016; 1000 Genomes Project 0.00020.
gnomAD v4.1: 41 of 1,613,992 alleles (0.0025%); highest among the groups gnomAD compares: East Asian, 0.0067%; no homozygotes.

Submissions (2):

CeGaT Center for Human Genetics Tuebingen
Classification: Likely benign. Last evaluated: 2023-01-01. Review status: criteria provided, single submitter. Criteria: CeGaT Center For Human Genetics Tuebingen Variant Classification Criteria Version 2. Collection method: clinical testing. Allele origin: germline. Affected: yes. Observed: 1 variant allele.
Comment: UMOD: BP4, BS2

Ambry Genetics
Classification: Uncertain significance for Inborn genetic diseases. Last evaluated: 2022-05-18. Review status: criteria provided, single submitter. Criteria: Ambry Variant Classification Scheme 2023. Collection method: clinical testing. Allele origin: germline.

NM_003361.4(UMOD):c.1493G>A (p.Arg498Gln)

Gene: UMOD (uromodulin; minus strand). Cytogenetic location: 16p12.3.
Variant type: single nucleotide variant.
Coding change: c.1493G>A on transcript NM_003361.4 (MANE Select); coding-DNA position 1493, G replaced by A.
Protein change: p.Arg498Gln; replaces arginine 498 with glutamine.
Molecular consequence: missense variant. On other transcripts: non-coding transcript variant (1).
Genome position (GRCh38, 1-based): chr16:20,341,175, C>T on the plus strand (G>A on the coding strand, the complement: UMOD is on the minus strand). VCF-style: chr16-20341175-C-T. GRCh37 (hg19) VCF-style: chr16-20352497-C-T.
Other names: c.1493G>A, p.Arg498Gln (NM_001008389.3, NM_001378232.1, NM_001378233.1); c.1592G>A, p.Arg531Gln (NM_001278614.2); c.1634G>A, p.Arg545Gln (NM_001378234.1, NM_001378235.1); short protein forms R498Q, R531Q, R545Q.
Identifiers: ClinVar variation 2325251 (VCV002325251.30), dbSNP rs188397613, ClinGen allele CA7939123.